The following is an entry in ClinVar:

ClinVar aggregate classification (germline): Pathogenic (1 of 4 stars; one submission).

Conditions:
Hereditary nonpolyposis colorectal neoplasms. Identifiers: MedGen C0009405, MeSH D003123.

Submission:

Labcorp Genetics (formerly Invitae), Labcorp
Classification: Pathogenic for Hereditary nonpolyposis colorectal neoplasms. Last evaluated: 2022-06-18. Review status: criteria provided, single submitter. Criteria: Invitae Variant Classification Sherloc (09022015). Collection method: clinical testing. Allele origin: germline.
Comment: For these reasons, this variant has been classified as Pathogenic. This variant has not been reported in the literature in individuals affected with PMS2-related conditions. This variant is not present in population databases (gnomAD no frequency). This sequence change creates a premature translational stop signal (p.Lys183*) in the PMS2 gene. It is expected to result in an absent or disrupted protein product. Loss-of-function variants in PMS2 are known to be pathogenic (PMID: 21376568, 24362816).

Literature cited by the submitters: PubMed 21376568; PubMed 24362816.

NM_000535.7(PMS2):c.547A>T (p.Lys183Ter)

Gene: PMS2 (PMS1 homolog 2, mismatch repair system component; minus strand). Cytogenetic location: 7p22.1.
Variant type: single nucleotide variant.
Coding change: c.547A>T on transcript NM_000535.7 (MANE Select); coding-DNA position 547, A replaced by T.
Protein change: p.Lys183Ter; replaces lysine 183 with a stop codon.
Molecular consequence: nonsense. On other transcripts: non-coding transcript variant (1), intron variant (3).
Genome position (GRCh38, 1-based): chr7:5,999,266, T>A on the plus strand (A>T on the coding strand, the complement: PMS2 is on the minus strand). VCF-style: chr7-5999266-T-A. GRCh37 (hg19) VCF-style: chr7-6038897-T-A.
Other names: c.547A>T, p.Lys183Ter (NM_001322006.2, NM_001322014.2, NM_001406869.1 and 5 more transcripts); c.229A>T, p.Lys77Ter (NM_001322007.2, NM_001322008.2, NM_001406876.1 and 4 more transcripts); c.142A>T, p.Lys48Ter (NM_001322009.2, NM_001322010.2, NM_001406887.1 and 22 more transcripts); c.238A>T, p.Lys80Ter (NM_001322015.2, NM_001406875.1, NM_001406877.1 and 6 more transcripts); c.733A>T, p.Lys245Ter (NM_001406866.1); c.571A>T, p.Lys191Ter (NM_001406868.1); c.133-1843A>T (NM_001322013.2); c.-347-40A>T (NM_001322012.2, NM_001322011.2); short protein forms K48*, K245*, K191*, K183*, K77*, K80*.
Identifiers: ClinVar variation 2008173 (VCV002008173.4), dbSNP rs2128802141, ClinGen allele CA366744121.